The following is an entry in ClinVar:

NM_016120.4(RLIM):c.1334G>C (p.Gly445Ala)

Gene: RLIM (ring finger protein, LIM domain interacting; minus strand). Cytogenetic location: Xq13.2.
Variant type: single nucleotide variant.
Coding change: c.1334G>C on transcript NM_016120.4 (MANE Select); coding-DNA position 1334, G replaced by C.
Protein change: p.Gly445Ala; replaces glycine 445 with alanine.
Molecular consequence: missense variant.
Genome position (GRCh38, 1-based): chrX:74,591,981, C>G on the plus strand (G>C on the coding strand, the complement: RLIM is on the minus strand). VCF-style: chrX-74591981-C-G. GRCh37 (hg19) VCF-style: chrX-73811816-C-G.
Other names: c.1334G>C, p.Gly445Ala (NM_183353.3); short protein forms G445A.
Identifiers: ClinVar variation 2580649 (VCV002580649.1), dbSNP rs1278333970, ClinGen allele CA413660379.
Genomic context (GRCh38, chrX:74,591,981, plus strand): 5'-GAACTGGAACTGGAACTCGAACTGGAACCAGAACTACTACCACCACCAGAACCTCCTCTT[C>G]CACTCCGTGACTCTGCCCTTTCCATATTTCGATTTGAGACTGAGCCAGTAGGCTCTGAGT-3'
Protein context (NP_057204.2, residues 435-455): RNMERAESRS[Gly445Ala]RGGSGGGSSS

ClinVar aggregate classification (germline): Uncertain significance (1 of 4 stars; one submission).

Allele frequency attached by ClinVar (database versions not stated): gnomAD exomes below 0.00001; gnomAD 0.00001; TOPMed 0.00002.
gnomAD v4.1: 6 of 1,209,929 alleles (0.0005%); highest among the groups gnomAD compares: Non-Finnish European, 0.00056%; no homozygotes.

Submission:

GeneDx
Classification: Uncertain significance. Last evaluated: 2023-03-24. Review status: criteria provided, single submitter. Criteria: GeneDx Variant Classification Process June 2021. Collection method: clinical testing. Allele origin: germline. Affected: yes.
Comment: In silico analysis supports that this missense variant does not alter protein structure/function; Has not been previously published as pathogenic or benign to our knowledge